The following is an entry in ClinVar:

ClinVar aggregate classification (germline): Uncertain significance. Review status: criteria provided, multiple submitters, no conflicts (2 of 4 stars). 2 submissions from 2 submitters: Uncertain significance (2). Last evaluated 2025-10-25.

Conditions:
Hereditary cancer-predisposing syndrome. Also called: Tumor predisposition; Hereditary neoplastic syndrome; Hereditary Cancer Syndrome; Neoplastic Syndromes, Hereditary. Identifiers: Orphanet 140162, MedGen C0027672, MeSH D009386, MONDO:0015356.
EGFR-related lung cancer (EGFR). Identifiers: MedGen CN130014.

Submissions (2):

Ambry Genetics
Classification: Uncertain significance for Hereditary cancer-predisposing syndrome. Last evaluated: 2025-10-25. Review status: criteria provided, single submitter. Criteria: Ambry Variant Classification Scheme 2023. Collection method: clinical testing. Allele origin: germline.
Comment: The p.T1041I variant (also known as c.3122C>T), located in coding exon 26 of the EGFR gene, results from a C to T substitution at nucleotide position 3122. The threonine at codon 1041 is replaced by isoleucine, an amino acid with similar properties. This amino acid position is conserved. In addition, this alteration is predicted to be tolerated by in silico analysis. Based on the available evidence, the clinical significance of this variant remains unclear.

Labcorp Genetics (formerly Invitae), Labcorp
Classification: Uncertain significance for EGFR-related lung cancer. Last evaluated: 2024-04-24. Review status: criteria provided, single submitter. Criteria: Invitae Variant Classification Sherloc (09022015). Collection method: clinical testing. Allele origin: germline.
Comment: This sequence change replaces threonine, which is neutral and polar, with isoleucine, which is neutral and non-polar, at codon 1041 of the EGFR protein (p.Thr1041Ile). This variant is not present in population databases (gnomAD no frequency). This variant has not been reported in the literature in individuals affected with EGFR-related conditions. An algorithm developed to predict the effect of missense changes on protein structure and function (PolyPhen-2) suggests that this variant is likely to be tolerated. In summary, the available evidence is currently insufficient to determine the role of this variant in disease. Therefore, it has been classified as a Variant of Uncertain Significance.

NM_005228.5(EGFR):c.3122C>T (p.Thr1041Ile)

Gene: EGFR (epidermal growth factor receptor; plus strand). Cytogenetic location: 7p11.2.
Variant type: single nucleotide variant.
Coding change: c.3122C>T on transcript NM_005228.5 (MANE Select); coding-DNA position 3122, C replaced by T.
Protein change: p.Thr1041Ile; replaces threonine 1041 with isoleucine.
Molecular consequence: missense variant.
Genome position (GRCh38, 1-based): chr7:55,201,742, C>T. VCF-style: chr7-55201742-C-T. GRCh37 (hg19) VCF-style: chr7-55269435-C-T.
Other names: c.2987C>T, p.Thr996Ile (NM_001346897.2, NM_001346899.2); c.3122C>T, p.Thr1041Ile (NM_001346898.2); c.2963C>T, p.Thr988Ile (NM_001346900.2); c.2321C>T, p.Thr774Ile (NM_001346941.2); short protein forms T774I, T996I, T1041I, T988I.
Identifiers: ClinVar variation 2966860 (VCV002966860.4), dbSNP rs2128972482, ClinGen allele CA367582889.